The following is an entry in ClinVar:

NM_005188.4(CBL):c.*8012T>C

Gene: CBL (Cbl proto-oncogene; plus strand). Cytogenetic location: 11q23.3.
Variant type: single nucleotide variant.
Coding change: c.*8012T>C on transcript NM_005188.4 (MANE Select); 8012 bases downstream of the stop codon, T replaced by C.
Molecular consequence: 3 prime UTR variant.
Genome position (GRCh38, 1-based): chr11:119,307,793, T>C. VCF-style: chr11-119307793-T-C. GRCh37 (hg19) VCF-style: chr11-119178503-T-C.
Identifiers: ClinVar variation 302912 (VCV000302912.5), dbSNP rs573686690, ClinGen allele CA10630065.
Genomic context (GRCh38, chr11:119,307,793, plus strand): 5'-AGCCTGGGAGTGCTGGAGAGAACCTGATGCTTTCTCCAGAATGAAGAGTCCCAATTTGTA[T>C]ATCAGTGTTAAGAAGAAAACAAAACAAACACATAGGTGAGATTTTCGTGGACTATTTTAA-3'

ClinVar aggregate classification (germline): Benign (1 of 4 stars; one submission).

Conditions:
CBL-related disorder. Also called: NOONAN SYNDROME-LIKE DISORDER WITHOUT JUVENILE MYELOMONOCYTIC LEUKEMIA; CBL MUTATION-ASSOCIATED SYNDROME; CBL SYNDROME. Identifiers: Orphanet 363972, MedGen C3150803, MONDO:0013308, OMIM 613563.

Allele frequency attached by ClinVar (database versions not stated): gnomAD below 0.00001 and 0.00005; TOPMed 0.00001; 1000 Genomes Project 0.00040; 1000 Genomes Project 30x 0.00062.

Submission:

Illumina Laboratory Services, Illumina
Classification: Benign for CBL-related disorder. Last evaluated: 2018-01-13. Review status: criteria provided, single submitter. Criteria: ICSL Variant Classification Criteria 13 December 2019. Collection method: clinical testing. Allele origin: germline.
Comment: This variant was observed in the ICSL laboratory as part of a predisposition screen in an ostensibly healthy population. It had not been previously curated by ICSL or reported in the Human Gene Mutation Database (HGMD: prior to June 1st, 2018), and was therefore a candidate for classification through an automated scoring system. Utilizing variant allele frequency, disease prevalence and penetrance estimates, and inheritance mode, an automated score was calculated to assess if this variant is too frequent to cause the disease. Based on the score and internal cut-off values, a variant classified as benign is not then subjected to further curation. The score for this variant resulted in a classification of benign for this disease.